The following is an entry in ClinVar:

NM_001966.4(EHHADH):c.1736G>A (p.Trp579Ter)

Gene: EHHADH (enoyl-CoA hydratase and 3-hydroxyacyl CoA dehydrogenase; minus strand). Cytogenetic location: 3q27.2.
Variant type: single nucleotide variant.
Coding change: c.1736G>A on transcript NM_001966.4 (MANE Select); coding-DNA position 1736, G replaced by A.
Protein change: p.Trp579Ter; replaces tryptophan 579 with a stop codon.
Molecular consequence: nonsense.
Genome position (GRCh38, 1-based): chr3:185,192,662, C>T on the plus strand (G>A on the coding strand, the complement: EHHADH is on the minus strand). VCF-style: chr3-185192662-C-T. GRCh37 (hg19) VCF-style: chr3-184910450-C-T.
Other names: c.1448G>A, p.Trp483Ter (NM_001166415.2); short protein forms W483*, W579*.
Identifiers: ClinVar variation 4982850 (VCV004982850.1).

ClinVar aggregate classification (germline): Uncertain significance (1 of 4 stars; one submission).

Conditions:
EHHADH-related disorder. Also called: EHHADH-related condition.

Submission:

PreventionGenetics, part of Exact Sciences
Classification: Uncertain significance for EHHADH-related condition. Last evaluated: 2026-07-26. Review status: criteria provided, single submitter. Criteria: ACMG Guidelines, 2015. Collection method: clinical testing. Allele origin: germline.
Comment: The EHHADH c.1736G>A variant is predicted to result in premature protein termination (p.Trp579*). To our knowledge, this variant has not been reported in the literature or in a large population database (gnomAD), indicating this variant is rare. At this time, the clinical significance of this variant is uncertain due to the absence of conclusive functional and genetic evidence.